The following is an entry in ClinVar:

ClinVar aggregate classification (germline): Uncertain significance. Review status: criteria provided, multiple submitters, no conflicts (2 of 4 stars). 2 submissions from 2 submitters: Uncertain significance (2). Last evaluated 2023-12-04.

Conditions:
Hereditary breast ovarian cancer syndrome. Also called: Breast and ovarian cancer; BRCA1- and BRCA2-Associated Hereditary Breast and Ovarian Cancer; Hereditary breast and ovarian cancer; Hereditary breast and/or ovarian cancer syndrome; Hereditary breast and ovarian cancer syndrome; Hereditary breast and ovarian cancer syndrome (HBOC). Identifiers: Orphanet 145, MedGen C0677776, MeSH D061325, MONDO:0003582. Disease mechanism: loss of function.
Hereditary cancer-predisposing syndrome. Also called: Neoplastic Syndromes, Hereditary; Tumor predisposition; Hereditary Cancer Syndrome; Hereditary neoplastic syndrome. Identifiers: Orphanet 140162, MedGen C0027672, MeSH D009386, MONDO:0015356.

Submissions (2):

Color Diagnostics, LLC DBA Color Health
Classification: Uncertain significance for Hereditary cancer-predisposing syndrome. Last evaluated: 2023-12-04. Review status: criteria provided, single submitter. Criteria: ACMG Guidelines, 2015. Collection method: clinical testing. Allele origin: germline.
Comment: This missense variant replaces lysine with glutamic acid at codon 68 of the BRCA2 protein. Computational prediction tools and conservation analyses are inconclusive regarding the impact of this variant on protein structure and function. Splice site prediction tools suggest that this variant may not impact RNA splicing. To our knowledge, functional studies have not been performed for this variant. This variant has not been reported in individuals affected with hereditary cancer in the literature. This variant has not been identified in the general population by the Genome Aggregation Database (gnomAD). The available evidence is insufficient to determine the role of this variant in disease conclusively. Therefore, this variant is classified as a Variant of Uncertain Significance.

Labcorp Genetics (formerly Invitae), Labcorp
Classification: Uncertain significance for Hereditary breast ovarian cancer syndrome. Last evaluated: 2019-07-24. Review status: criteria provided, single submitter. Criteria: Invitae Variant Classification Sherloc (09022015). Collection method: clinical testing. Allele origin: germline.
Comment: In summary, the available evidence is currently insufficient to determine the role of this variant in disease. Therefore, it has been classified as a Variant of Uncertain Significance. Algorithms developed to predict the effect of missense changes on protein structure and function are either unavailable or do not agree on the potential impact of this missense change (SIFT: "Deleterious"; PolyPhen-2: "Benign"; Align-GVGD: "Class C0"). This variant has not been reported in the literature in individuals with BRCA2-related disease. This variant is not present in population databases (ExAC no frequency). This sequence change replaces lysine with glutamic acid at codon 68 of the BRCA2 protein (p.Lys68Glu). The lysine residue is highly conserved and there is a small physicochemical difference between lysine and glutamic acid.

NM_000059.4(BRCA2):c.202A>G (p.Lys68Glu)

Gene: BRCA2 (BRCA2 DNA repair associated; plus strand). Cytogenetic location: 13q13.1.
Variant type: single nucleotide variant.
Coding change: c.202A>G on transcript NM_000059.4 (MANE Select); coding-DNA position 202, A replaced by G.
Protein change: p.Lys68Glu; replaces lysine 68 with glutamic acid.
Molecular consequence: missense variant.
Genome position (GRCh38, 1-based): chr13:32,319,211, A>G. VCF-style: chr13-32319211-A-G. GRCh37 (hg19) VCF-style: chr13-32893348-A-G.
Other names: short protein forms K68E.
Identifiers: ClinVar variation 653359 (VCV000653359.15), dbSNP rs1593882634, ClinGen allele CA387754397.
Genomic context (GRCh38, chr13:32,319,211, plus strand): 5'-GAAGAATCTGAACATAAAAACAACAATTACGAACCAAACCTATTTAAAACTCCACAAAGG[A>G]AACCATCTTATAATCAGCTGGCTTCAACTCCAATAATATTCAAAGAGCAAGGGCTGACTC-3'
Protein context (NP_000050.3, residues 58-78): EPNLFKTPQR[Lys68Glu]PSYNQLASTP